The following is an entry in ClinVar:

NM_153717.3(EVC):c.2079G>A (p.Trp693Ter)

Gene: EVC (EvC ciliary complex subunit 1; plus strand). Cytogenetic location: 4p16.2.
Variant type: single nucleotide variant.
Coding change: c.2079G>A on transcript NM_153717.3 (MANE Select); coding-DNA position 2079, G replaced by A.
Protein change: p.Trp693Ter; replaces tryptophan 693 with a stop codon.
Molecular consequence: nonsense.
Genome position (GRCh38, 1-based): chr4:5,797,214, G>A. VCF-style: chr4-5797214-G-A. GRCh37 (hg19) VCF-style: chr4-5798941-G-A.
Other names: c.2079G>A, p.Trp693Ter (NM_001306090.2); short protein forms W693*.
Identifiers: ClinVar variation 2174144 (VCV002174144.4), dbSNP rs1344124533, ClinGen allele CA356144062.

ClinVar aggregate classification (germline): Pathogenic (1 of 4 stars; one submission).

Conditions:
Ellis-van Creveld syndrome (EVC). Also called: EVC-Related Ellis-van Creveld Syndrome; EVC2-Related Ellis-van Creveld Syndrome; MESOECTODERMAL DYSPLASIA; Chondroectodermal dysplasia. Identifiers: Orphanet 289, MedGen C0013903, MONDO:0009162, OMIM 225500.
Curry-Hall syndrome (WAD). Also called: WEYERS ACRODENTAL DYSOSTOSIS. Identifiers: Orphanet 952, MedGen C0457013, MONDO:0008673, OMIM 193530.

Allele frequency attached by ClinVar (database versions not stated): gnomAD exomes below 0.00001.

Submission:

Labcorp Genetics (formerly Invitae), Labcorp
Classification: Pathogenic for Curry-Hall syndrome; Ellis-van Creveld syndrome. Last evaluated: 2022-04-01. Review status: criteria provided, single submitter. Criteria: Invitae Variant Classification Sherloc (09022015). Collection method: clinical testing. Allele origin: germline.
Comment: For these reasons, this variant has been classified as Pathogenic. This variant has not been reported in the literature in individuals affected with EVC-related conditions. This variant is not present in population databases (gnomAD no frequency). This sequence change creates a premature translational stop signal (p.Trp693*) in the EVC gene. It is expected to result in an absent or disrupted protein product. Loss-of-function variants in EVC are known to be pathogenic (PMID: 23220543).

Literature cited by the submitters: PubMed 23220543.